The following is an entry in ClinVar:

ClinVar aggregate classification (germline): Uncertain significance. Review status: criteria provided, multiple submitters, no conflicts (2 of 4 stars). 2 submissions from 2 submitters: Uncertain significance (2). Last evaluated 2024-12-02.

Allele frequency attached by ClinVar (database versions not stated): gnomAD 0.00001; gnomAD exomes 0.00001.

Submissions (2):

Labcorp Genetics (formerly Invitae), Labcorp
Classification: Uncertain significance. Last evaluated: 2024-12-02. Review status: criteria provided, single submitter. Criteria: Invitae Variant Classification Sherloc (09022015). Collection method: clinical testing. Allele origin: germline.
Comment: This sequence change replaces phenylalanine, which is neutral and non-polar, with leucine, which is neutral and non-polar, at codon 752 of the MAGEL2 protein (p.Phe752Leu). This variant is present in population databases (no rsID available, gnomAD 0.06%). This variant has not been reported in the literature in individuals affected with MAGEL2-related conditions. ClinVar contains an entry for this variant (Variation ID: 1345010). Invitae Evidence Modeling of protein sequence and biophysical properties (such as structural, functional, and spatial information, amino acid conservation, physicochemical variation, residue mobility, and thermodynamic stability) indicates that this missense variant is not expected to disrupt MAGEL2 protein function with a negative predictive value of 80%. In summary, the available evidence is currently insufficient to determine the role of this variant in disease. Therefore, it has been classified as a Variant of Uncertain Significance.

GeneDx
Classification: Uncertain significance. Last evaluated: 2022-03-15. Review status: criteria provided, single submitter. Criteria: GeneDx Variant Classification Process June 2021. Collection method: clinical testing. Allele origin: germline. Affected: yes.
Comment: Not observed at a significant frequency in large population cohorts (gnomAD); In silico analysis supports that this missense variant does not alter protein structure/function; Has not been previously published as pathogenic or benign to our knowledge

NM_019066.5(MAGEL2):c.2254T>C (p.Phe752Leu)

Gene: MAGEL2 (MAGE family member L2; minus strand). Cytogenetic location: 15q11.2.
Variant type: single nucleotide variant.
Coding change: c.2254T>C on transcript NM_019066.5 (MANE Select); coding-DNA position 2254, T replaced by C.
Protein change: p.Phe752Leu; replaces phenylalanine 752 with leucine.
Molecular consequence: missense variant.
Genome position (GRCh38, 1-based): chr15:23,645,489, A>G on the plus strand (T>C on the coding strand, the complement: MAGEL2 is on the minus strand). VCF-style: chr15-23645489-A-G. GRCh37 (hg19) VCF-style: chr15-23890636-A-G.
Other names: short protein forms F752L.
Identifiers: ClinVar variation 1345010 (VCV001345010.4), dbSNP rs1229276140, ClinGen allele CA391332369.
Genomic context (GRCh38, chr15:23,645,489, plus strand): 5'-CAGCTGGCAGGTGTGCTCGCGCAGCTGACACTGCCTTGGGAGCACAGAAGGTGGCAGCAA[A>G]GATCATGCGGTCTTTTGAAGGGGCCCTGCGCTCCTTCGAGGAGGTCCTGCGCTCTTTAGA-3'
Protein context (NP_061939.3, residues 742-762): RRAPSKDRMI[Phe752Leu]AATFCAPKAV